The following is an entry in ClinVar:

ClinVar aggregate classification (germline): Uncertain significance. Review status: criteria provided, multiple submitters, no conflicts (2 of 4 stars). 2 submissions from 2 submitters: Uncertain significance (2). Last evaluated 2025-03-22.

Conditions:
Inborn genetic diseases. Identifiers: MedGen C0950123, MeSH D030342.

gnomAD v4.1: 1 of 1,609,268 alleles (0.000062%); highest among the groups gnomAD compares: Admixed American, 0.0017%; no homozygotes.

Submissions (2):

Ambry Genetics
Classification: Uncertain significance for Inborn genetic diseases. Last evaluated: 2025-03-22. Review status: criteria provided, single submitter. Criteria: Ambry Variant Classification Scheme 2023. Collection method: clinical testing. Allele origin: germline.
Comment: The p.I1562M variant (also known as c.4686A>G), located in coding exon 1 of the SAMD9L gene, results from an A to G substitution at nucleotide position 4686. The isoleucine at codon 1562 is replaced by methionine, an amino acid with highly similar properties. This amino acid position is conserved. In addition, this alteration is predicted to be tolerated by in silico analysis. Based on the available evidence, the clinical significance of this variant remains unclear.

Mayo Clinic Laboratories, Mayo Clinic
Classification: Uncertain significance. Last evaluated: 2023-09-01. Review status: criteria provided, single submitter. Criteria: ACMG Guidelines, 2015. Collection method: clinical testing. Allele origin: germline. Observed: 1 variant allele.
Comment: BP4

NM_152703.5(SAMD9L):c.4686A>G (p.Ile1562Met)

Gene: SAMD9L (sterile alpha motif domain containing 9 like; minus strand). Cytogenetic location: 7q21.2.
Variant type: single nucleotide variant.
Coding change: c.4686A>G on transcript NM_152703.5 (MANE Select); coding-DNA position 4686, A replaced by G.
Protein change: p.Ile1562Met; replaces isoleucine 1562 with methionine.
Molecular consequence: missense variant.
Genome position (GRCh38, 1-based): chr7:93,131,286, T>C on the plus strand (A>G on the coding strand, the complement: SAMD9L is on the minus strand). VCF-style: chr7-93131286-T-C. GRCh37 (hg19) VCF-style: chr7-92760599-T-C.
Other names: p.Ile1562Met; c.4686A>G, p.Ile1562Met (NM_001303496.3, NM_001303497.3, NM_001303498.3 and 5 more transcripts); c.4686A>G (NM_152703.2); short protein forms I1562M.
Identifiers: ClinVar variation 3379777 (VCV003379777.2).